The following is an entry in ClinVar:

ClinVar aggregate classification (germline): Likely pathogenic (1 of 4 stars; one submission).

Conditions:
Neurodevelopmental disorder. Identifiers: MedGen C1535926, MeSH D065886, MONDO:0700092.

Submission:

Broad Center for Mendelian Genomics, Broad Institute of MIT and Harvard
Classification: Likely pathogenic for Neurodevelopmental disorder. Last evaluated: 2023-01-25. Review status: criteria provided, single submitter. Criteria: ACMG Guidelines, 2015. Collection method: curation. Allele origin: germline. Inheritance: Autosomal recessive inheritance.
Comment: The homozygous p.Cys405TyrfsTer63 variant in UBE4A was identified by our study in two siblings with neurodevelopmental disorder with hypotonia and gross motor and speech delay. The p.Cys405TyrfsTer63 variant in UBE4A has not been previously reported in individuals with neurodevelopmental disorder with hypotonia and gross motor and speech delay. This variant was absent from large population studies. This variant is predicted to cause a frameshift, which alters the protein‚Äôs amino acid sequence beginning at position 405 and leads to a premature termination codon 63 amino acids downstream. This alteration is then predicted to lead to a truncated or absent protein. Loss of function of the UBE4A gene is strongly associated to autosomal recessive neurodevelopmental disorder with hypotonia and gross motor and speech delay. In summary, although additional studies are required to fully establish its clinical significance, this variant is likely pathogenic for autosomal recessive neurodevelopmental disorder with hypotonia and gross motor and speech delay. ACMG/AMP Criteria applied: PVS1_Strong, PM2_Supporting, PM3_Supporting (Richards 2015).

NM_001204077.2(UBE4A):c.1214_1215del (p.Asn405fs)

Gene: UBE4A (ubiquitination factor E4A; plus strand). Cytogenetic location: 11q23.3.
Variant type: Deletion.
Coding change: c.1214_1215del on transcript NM_001204077.2 (MANE Select); coding-DNA positions 1214 to 1215, 2 bases deleted (AC; older notation c.1214_1215delAC).
Protein change: p.Asn405fs; shifts the reading frame from asparagine 405.
Molecular consequence: frameshift variant.
Genome position (GRCh38, 1-based): chr11:118,374,993-118,374,994, AC deleted. VCF-style (leftmost placement, unchanged base first): chr11-118374992-AAC-A. GRCh37 (hg19) VCF-style: chr11-118245707-AAC-A.
Other names: NM_004788.4:c.1235_1236del; c.1235_1236del, p.Asn412fs (NM_004788.4); short protein forms N405fs, N412fs.
Identifiers: ClinVar variation 2412716 (VCV002412716.1), dbSNP rs2496959742, ClinGen allele CA2573332447.